The following is an entry in ClinVar:

ClinVar aggregate classification (germline): Uncertain significance (1 of 4 stars; one submission).

Allele frequency attached by ClinVar (database versions not stated): gnomAD exomes 0.00004; ExAC 0.00005; ESP Exome Variant Server 0.00008.

Submission:

Labcorp Genetics (formerly Invitae), Labcorp
Classification: Uncertain significance. Last evaluated: 2025-09-09. Review status: criteria provided, single submitter. Criteria: Invitae Variant Classification Sherloc (09022015). Collection method: clinical testing. Allele origin: germline.
Comment: This sequence change replaces arginine, which is basic and polar, with glutamine, which is neutral and polar, at codon 183 of the TNFAIP3 protein (p.Arg183Gln). This variant is present in population databases (rs375378882, gnomAD 0.008%). This variant has not been reported in the literature in individuals affected with TNFAIP3-related conditions. ClinVar contains an entry for this variant (Variation ID: 1352076). Invitae Evidence Modeling of protein sequence and biophysical properties (such as structural, functional, and spatial information, amino acid conservation, physicochemical variation, residue mobility, and thermodynamic stability) indicates that this missense variant is not expected to disrupt TNFAIP3 protein function with a negative predictive value of 80%. In summary, the available evidence is currently insufficient to determine the role of this variant in disease. Therefore, it has been classified as a Variant of Uncertain Significance.

NM_001270508.2(TNFAIP3):c.548G>A (p.Arg183Gln)

Genes: TNFAIP3 (TNF alpha induced protein 3; plus strand), LOC126859807 (MED14-independent group 3 enhancer GRCh37_chr6:138196296-138197495; plus strand). Cytogenetic location: 6q23.3.
Variant type: single nucleotide variant.
Coding change: c.548G>A on transcript NM_001270508.2 (MANE Select); coding-DNA position 548, G replaced by A.
Protein change: p.Arg183Gln; replaces arginine 183 with glutamine.
Molecular consequence: missense variant.
Genome position (GRCh38, 1-based): chr6:137,875,749, G>A. VCF-style: chr6-137875749-G-A. GRCh37 (hg19) VCF-style: chr6-138196886-G-A.
Other names: c.548G>A, p.Arg183Gln (NM_001270507.2, NM_006290.4); short protein forms R183Q.
Identifiers: ClinVar variation 1352076 (VCV001352076.8), dbSNP rs375378882, ClinGen allele CA4019458.